The following is an entry in ClinVar:

NM_002291.3(LAMB1):c.1561A>G (p.Ser521Gly)

Gene: LAMB1 (laminin subunit beta 1; minus strand). Cytogenetic location: 7q31.1.
Variant type: single nucleotide variant.
Coding change: c.1561A>G on transcript NM_002291.3 (MANE Select); coding-DNA position 1561, A replaced by G.
Protein change: p.Ser521Gly; replaces serine 521 with glycine.
Molecular consequence: missense variant.
Genome position (GRCh38, 1-based): chr7:107,972,993, T>C on the plus strand (A>G on the coding strand, the complement: LAMB1 is on the minus strand). VCF-style: chr7-107972993-T-C. GRCh37 (hg19) VCF-style: chr7-107613438-T-C.
Other names: short protein forms S521G.
Identifiers: ClinVar variation 1359026 (VCV001359026.6), dbSNP rs2150437179, ClinGen allele CA368874768.

ClinVar aggregate classification (germline): Uncertain significance (1 of 4 stars; one submission).

gnomAD v4.1: 1 of 1,612,170 alleles (0.000062%); highest among the groups gnomAD compares: Non-Finnish European, 0.000085%; no homozygotes.

Submission:

Labcorp Genetics (formerly Invitae), Labcorp
Classification: Uncertain significance. Last evaluated: 2025-06-20. Review status: criteria provided, single submitter. Criteria: Invitae Variant Classification Sherloc (09022015). Collection method: clinical testing. Allele origin: germline.
Comment: This sequence change replaces serine, which is neutral and polar, with glycine, which is neutral and non-polar, at codon 521 of the LAMB1 protein (p.Ser521Gly). This variant is not present in population databases (gnomAD no frequency). This variant has not been reported in the literature in individuals affected with LAMB1-related conditions. ClinVar contains an entry for this variant (Variation ID: 1359026). An algorithm developed to predict the effect of missense changes on protein structure and function (PolyPhen-2) suggests that this variant is likely to be tolerated. In summary, the available evidence is currently insufficient to determine the role of this variant in disease. Therefore, it has been classified as a Variant of Uncertain Significance.